The following is an entry in ClinVar:

ClinVar aggregate classification (germline): Uncertain significance (1 of 4 stars; one submission).

Submission:

Labcorp Genetics (formerly Invitae), Labcorp
Classification: Uncertain significance. Last evaluated: 2017-05-13. Review status: criteria provided, single submitter. Criteria: Invitae Variant Classification Sherloc (09022015). Collection method: clinical testing. Allele origin: germline.
Comment: In summary, this variant has uncertain impact on CTNNA1 function. The available evidence is currently insufficient to determine its role in disease. Therefore, it has been classified as a Variant of Uncertain Significance. Algorithms developed to predict the effect of missense changes on protein structure and function do not agree on the potential impact of this missense change (SIFT: "Deleterious"; PolyPhen-2: "Benign"; Align-GVGD: "Class C0"). This variant has not been reported in the literature in individuals with a CTNNA1-related disease. ClinVar contains an entry for this variant (Variation ID: 239062). This variant is not present in population databases (ExAC no frequency). This sequence change replaces isoleucine with arginine at codon 664 of the CTNNA1 protein (p.Ile664Arg). The isoleucine residue is highly conserved and there is a moderate physicochemical difference between isoleucine and arginine.

NM_001903.5(CTNNA1):c.1991T>G (p.Ile664Arg)

Gene: CTNNA1 (catenin alpha 1; plus strand). Cytogenetic location: 5q31.2.
Variant type: single nucleotide variant.
Coding change: c.1991T>G on transcript NM_001903.5 (MANE Select); coding-DNA position 1991, T replaced by G.
Protein change: p.Ile664Arg; replaces isoleucine 664 with arginine.
Molecular consequence: missense variant.
Genome position (GRCh38, 1-based): chr5:138,929,337, T>G. VCF-style: chr5-138929337-T-G. GRCh37 (hg19) VCF-style: chr5-138265026-T-G.
Other names: c.1991T>G, p.Ile664Arg (NM_001290307.3, NM_001323982.2, NM_001323983.1 and 2 more transcripts); c.1682T>G, p.Ile561Arg (NM_001290309.3); c.1622T>G, p.Ile541Arg (NM_001290310.3); c.881T>G, p.Ile294Arg (NM_001290312.1, NM_001323987.1, NM_001323988.1 and 17 more transcripts); c.1898T>G, p.Ile633Arg (NM_001323986.2); c.542T>G, p.Ile181Arg (NM_001324006.1, NM_001324007.1, NM_001324008.1 and 2 more transcripts); c.788T>G, p.Ile263Arg (NM_001324011.1); c.638T>G, p.Ile213Arg (NM_001324012.1, NM_001324013.1); short protein forms I664R, I181R, I263R, I561R, I213R, I541R, I633R, I294R.
Identifiers: ClinVar variation 239062 (VCV000239062.10), dbSNP rs878854469, ClinGen allele CA10582403.